The following is an entry in ClinVar:

ClinVar aggregate classification (germline): Uncertain significance. Review status: criteria provided, multiple submitters, no conflicts (2 of 4 stars). 4 submissions from 4 submitters: Uncertain significance (4). Last evaluated 2026-06-24.

Conditions:
POLE-related disorder. Also called: POLE-related disorders; POLE-related condition.
Hereditary cancer-predisposing syndrome. Also called: Neoplastic Syndromes, Hereditary; Hereditary neoplastic syndrome; Hereditary Cancer Syndrome; Tumor predisposition. Identifiers: Orphanet 140162, MedGen C0027672, MeSH D009386, MONDO:0015356.
Colorectal cancer, susceptibility to, 12 (CRCS12). Also called: COLORECTAL CANCER, SUSCEPTIBILITY TO, ON CHROMOSOME 12q24. Identifiers: Orphanet 220460, MedGen C3554460, MONDO:0014038, OMIM 615083.

Allele frequency attached by ClinVar (database versions not stated): gnomAD exomes 0.00001.
gnomAD v4.1: 8 of 1,614,170 alleles (0.0005%); highest among the groups gnomAD compares: Non-Finnish European, 0.00068%; no homozygotes.

Submissions (4):

PreventionGenetics, part of Exact Sciences
Classification: Uncertain significance for POLE-related condition. Last evaluated: 2026-06-24. Review status: criteria provided, single submitter. Criteria: ACMG Guidelines, 2015. Collection method: clinical testing. Allele origin: germline.
Comment: The POLE c.1175A>G variant is predicted to result in the amino acid substitution p.Asp392Gly. This variant has been reported in the literature in an individual with ovarian cancer (Supp. Table 5, Song et al. 2020. PubMed ID: 32546565). This variant is absent in a large population database (gnomAD), indicating this variant is rare. This variant is interpreted as uncertain in ClinVar (Variation ID: 240381). At this time, the clinical significance of this variant is uncertain due to the absence of conclusive functional and genetic evidence.

Ambry Genetics
Classification: Uncertain significance for Hereditary cancer-predisposing syndrome. Last evaluated: 2026-01-09. Review status: criteria provided, single submitter. Criteria: Ambry Variant Classification Scheme 2023. Collection method: clinical testing. Allele origin: germline.
Comment: The p.D392G variant (also known as c.1175A>G), located in coding exon 12 of the POLE gene, results from an A to G substitution at nucleotide position 1175. The aspartic acid at codon 392 is replaced by glycine, an amino acid with similar properties. This amino acid position is highly conserved in available vertebrate species. In addition, the in silico prediction for this alteration is inconclusive. Based on the available evidence, the clinical significance of this variant remains unclear.

Labcorp Genetics (formerly Invitae), Labcorp
Classification: Uncertain significance. Last evaluated: 2025-11-10. Review status: criteria provided, single submitter. Criteria: Invitae Variant Classification Sherloc (09022015). Collection method: clinical testing. Allele origin: germline.
Comment: This sequence change replaces aspartic acid, which is acidic and polar, with glycine, which is neutral and non-polar, at codon 392 of the POLE protein (p.Asp392Gly). This variant is present in population databases (no rsID available, gnomAD 0.007%). This variant has not been reported in the literature in individuals affected with POLE-related conditions. ClinVar contains an entry for this variant (Variation ID: 240381). Invitae Evidence Modeling of protein sequence and biophysical properties (such as structural, functional, and spatial information, amino acid conservation, physicochemical variation, residue mobility, and thermodynamic stability) indicates that this missense variant is not expected to disrupt POLE protein function with a negative predictive value of 80%. In summary, the available evidence is currently insufficient to determine the role of this variant in disease. Therefore, it has been classified as a Variant of Uncertain Significance.

Baylor Genetics
Classification: Uncertain significance for Colorectal cancer, susceptibility to, 12. Last evaluated: 2023-10-25. Review status: criteria provided, single submitter. Criteria: ACMG Guidelines, 2015. Collection method: clinical testing. Allele origin: unknown.

Literature cited by the submitters: PubMed 32546565 (cited by Ambry Genetics).

NM_006231.4(POLE):c.1175A>G (p.Asp392Gly)

Gene: POLE (DNA polymerase epsilon, catalytic subunit; minus strand). Cytogenetic location: 12q24.33.
Variant type: single nucleotide variant.
Coding change: c.1175A>G on transcript NM_006231.4 (MANE Select); coding-DNA position 1175, A replaced by G.
Protein change: p.Asp392Gly; replaces aspartic acid 392 with glycine.
Molecular consequence: missense variant.
Genome position (GRCh38, 1-based): chr12:132,675,449, T>C on the plus strand (A>G on the coding strand, the complement: POLE is on the minus strand). VCF-style: chr12-132675449-T-C. GRCh37 (hg19) VCF-style: chr12-133252035-T-C.
Other names: short protein forms D392G.
Identifiers: ClinVar variation 240381 (VCV000240381.19), dbSNP rs878854840, ClinGen allele CA10583020.